The following is an entry in ClinVar:

ClinVar aggregate classification (germline): Uncertain significance (1 of 4 stars; one submission).

Conditions:
Cardiovascular phenotype. Identifiers: MedGen CN230736.

gnomAD v4.1: 2 of 1,613,828 alleles (0.00012%); highest among the groups gnomAD compares: Non-Finnish European, 0.00017%; no homozygotes.

Submission:

Ambry Genetics
Classification: Uncertain significance for Cardiovascular phenotype. Last evaluated: 2023-06-30. Review status: criteria provided, single submitter. Criteria: Ambry Variant Classification Scheme 2023. Collection method: clinical testing. Allele origin: germline.
Comment: The p.G269R variant (also known as c.805G>C), located in coding exon 7 of the ABCG5 gene, results from a G to C substitution at nucleotide position 805. The glycine at codon 269 is replaced by arginine, an amino acid with dissimilar properties. This alteration has been reported in subjects with features of sitosterolemia (Niu DM et al. J Inherit Metab Dis, 2010 Aug;33:437-43; Lamiquiz-Moneo I et al. J Clin Lipidol, 2017 Oct;11:1432-1440.e4). This amino acid position is highly conserved in available vertebrate species. In addition, this alteration is predicted to be deleterious by in silico analysis. Since supporting evidence is limited at this time, the clinical significance of this alteration remains unclear.

Literature cited by the submitters: PubMed 20521169; PubMed 29066094.

NM_022436.3(ABCG5):c.805G>C (p.Gly269Arg)

Genes: ABCG5 (ATP binding cassette subfamily G member 5; minus strand), DYNC2LI1 (dynein cytoplasmic 2 light intermediate chain 1; plus strand). Cytogenetic location: 2p21.
Variant type: single nucleotide variant.
Coding change: c.805G>C on transcript NM_022436.3 (MANE Select); coding-DNA position 805, G replaced by C.
Protein change: p.Gly269Arg; replaces glycine 269 with arginine.
Molecular consequence: missense variant. On other transcripts: intron variant (2).
Genome position (GRCh38, 1-based): chr2:43,824,988, C>G on the plus strand (G>C on the coding strand, the complement: ABCG5 is on the minus strand). VCF-style: chr2-43824988-C-G. GRCh37 (hg19) VCF-style: chr2-44052127-C-G.
Other names: c.*16-2398C>G (NM_001348913.2, NM_001348912.2); short protein forms G269R.
Identifiers: ClinVar variation 2625950 (VCV002625950.2), dbSNP rs552803459, ClinGen allele CA346665855.